The following is an entry in ClinVar:

NM_006015.6(ARID1A):c.3948_3950delinsCTAGGA (p.Gly1317Ter)

Gene: ARID1A (AT-rich interaction domain 1A; plus strand). Cytogenetic location: 1p36.11.
Variant type: Indel.
Coding change: c.3948_3950delinsCTAGGA on transcript NM_006015.6 (MANE Select); coding-DNA positions 3948 to 3950, GGG replaced by CTAGGA.
Protein change: p.Gly1317Ter; replaces glycine 1317 with a stop codon.
Molecular consequence: nonsense.
Genome position (GRCh38, 1-based): chr1:26,773,661-26,773,663, GGG replaced by CTAGGA. VCF-style: chr1-26773661-GGG-CTAGGA. GRCh37 (hg19) VCF-style: chr1-27100152-GGG-CTAGGA.
Other names: c.3948_3950delinsCTAGGA, p.Gly1317Ter (NM_139135.4); c.3948_3950delGGGinsCTAGGA (LRG_875t1); short protein forms G1317*.
Identifiers: ClinVar variation 451207 (VCV000451207.2), dbSNP rs1553153130, ClinGen allele CA658655627.

ClinVar aggregate classification (germline): Pathogenic (1 of 4 stars; one submission).

Submission:

GeneDx
Classification: Pathogenic. Last evaluated: 2017-08-02. Review status: criteria provided, single submitter. Criteria: GeneDx Variant Classification (06012015). Collection method: clinical testing. Allele origin: germline. Affected: yes.
Comment: The c.3948_3950delGGGinsCTAGGA variant in the ARID1A gene has not been reported previously as a pathogenic variant nor as a benign variant, to our knowledge. The c.3948_3950delGGGinsCTAGGA variant results in the replacement of Glycine 1317 with a premature Stop codon, denoted p.Gly1317Ter. This variant is predicted to cause loss of normal protein function either through protein truncation or nonsense-mediated mRNA decay. The c.3948_3950delGGGinsCTAGGA variant is not observed in large population cohorts (Lek et al., 2016; 1000 Genomes Consortium et al., 2015; Exome Variant Server). We interpret c.3948_3950delGGGinsCTAGGA as a pathogenic variant.